The following is an entry in ClinVar:

ClinVar aggregate classification (germline): Pathogenic (1 of 4 stars; one submission).

Conditions:
Inborn genetic diseases. Identifiers: MedGen C0950123, MeSH D030342.

Submission:

Ambry Genetics
Classification: Pathogenic for Inborn genetic diseases. Last evaluated: 2023-03-03. Review status: criteria provided, single submitter. Criteria: Ambry Variant Classification Scheme 2023. Collection method: clinical testing. Allele origin: germline.
Comment: The c.6792_6793insT (p.L2265Sfs*37) alteration, located in exon 31 (coding exon 31) of the EP300 gene, consists of an insertion of T at position 6792, causing a translational frameshift with a predicted alternate stop codon after 37 amino acids. This alteration occurs at the 3' terminus of the EP300 gene, is not expected to trigger nonsense-mediated mRNA decay, and impacts the last 6.2% of the protein. Premature stop codons are typically deleterious in nature, the impacted region is critical for protein function, and a significant portion of the protein is affected (Ambry internal data). This variant was not reported in population-based cohorts in the Genome Aggregation Database (gnomAD). Based on the available evidence, this alteration is classified as pathogenic.

NM_001429.4(EP300):c.6792_6793insT (p.Leu2265fs)

Gene: EP300 (E1A binding protein p300; plus strand). Cytogenetic location: 22q13.2.
Variant type: Insertion.
Coding change: c.6792_6793insT on transcript NM_001429.4 (MANE Select); coding-DNA positions 6792 to 6793, T inserted.
Protein change: p.Leu2265fs; shifts the reading frame from leucine 2265.
Molecular consequence: frameshift variant.
Genome position: GRCh38 VCF-style: chr22-41178503-C-CT. GRCh37 (hg19) VCF-style: chr22-41574507-C-CT.
Other names: c.6714_6715insT, p.Leu2239fs (NM_001362843.2); short protein forms L2239fs, L2265fs.
Identifiers: ClinVar variation 2478950 (VCV002478950.2), dbSNP rs2517835495, ClinGen allele CA2580099840.